The following is an entry in ClinVar:

ClinVar aggregate classification (germline): Pathogenic (1 of 4 stars; one submission).

Conditions:
Hereditary cancer-predisposing syndrome. Also called: Neoplastic Syndromes, Hereditary; Tumor predisposition; Hereditary neoplastic syndrome; Hereditary Cancer Syndrome. Identifiers: Orphanet 140162, MedGen C0027672, MeSH D009386, MONDO:0015356.

Submission:

Ambry Genetics
Classification: Pathogenic for Hereditary cancer-predisposing syndrome. Last evaluated: 2026-06-30. Review status: criteria provided, single submitter. Criteria: Ambry Variant Classification Scheme 2023. Collection method: clinical testing. Allele origin: germline.
Comment: The c.362_363delCA pathogenic mutation, located in coding exon 2 of the RAD51C gene, results from a deletion of two nucleotides at nucleotide positions 362 to 363, causing a translational frameshift with a predicted alternate stop codon (p.T121Rfs*33). This variant is considered to be rare based on population cohorts in the Genome Aggregation Database (gnomAD). This alteration is expected to result in loss of function by premature protein truncation or nonsense-mediated mRNA decay. As such, this alteration is interpreted as a disease-causing mutation.

NM_058216.3(RAD51C):c.362_363del (p.Thr121fs)

Gene: RAD51C (RAD51 paralog C; plus strand). Cytogenetic location: 17q22.
Variant type: Deletion.
Coding change: c.362_363del on transcript NM_058216.3 (MANE Select); coding-DNA positions 362 to 363, 2 bases deleted (CA; older notation c.362_363delCA).
Protein change: p.Thr121fs; shifts the reading frame from threonine 121.
Molecular consequence: frameshift variant. On other transcripts: non-coding transcript variant (2).
Genome position (GRCh38, 1-based): chr17:58,695,147-58,695,148, CA deleted; deleting any 2 consecutive bases within chr17:58,695,146-58,695,148 gives the same sequence; the c. name uses the placement nearest the transcript's 3' end. VCF-style (leftmost placement, unchanged base first): chr17-58695145-AAC-A. GRCh37 (hg19) VCF-style: chr17-56772506-AAC-A.
Other names: c.362_363del, p.Thr121fs (NM_002876.4); short protein forms T121fs.
Identifiers: ClinVar variation 5027802 (VCV005027802.1).